The following is an entry in ClinVar:

NM_000057.4(BLM):c.953G>A (p.Cys318Tyr)

Gene: BLM (BLM RecQ like helicase; plus strand). Cytogenetic location: 15q26.1.
Variant type: single nucleotide variant.
Coding change: c.953G>A on transcript NM_000057.4 (MANE Select); coding-DNA position 953, G replaced by A.
Protein change: p.Cys318Tyr; replaces cysteine 318 with tyrosine.
Molecular consequence: missense variant. On other transcripts: 5 prime UTR variant (1).
Genome position (GRCh38, 1-based): chr15:90,751,940, G>A. VCF-style: chr15-90751940-G-A. GRCh37 (hg19) VCF-style: chr15-91295170-G-A.
Other names: c.953G>A, p.Cys318Tyr (NM_001287246.2, NM_001287247.2); c.-339G>A (NM_001287248.2); short protein forms C318Y.
Identifiers: ClinVar variation 1767312 (VCV001767312.5), dbSNP rs1895698419, ClinGen allele CA393841951.
Genomic context (GRCh38, chr15:90,751,940, plus strand): 5'-CGGATTTTGTTCCACCTTCTCCAGAAGAAATTATTTCTGCTTCTTCTTCCTCTTCAAAAT[G>A]CCTTAGGTAAACTAGCTAAATAATTAGCATTATTATTTGTTTCTGGGATACTTTAAATTG-3'
Protein context (NP_000048.1, residues 308-328): IISASSSSSK[Cys318Tyr]LSTLKDLDTS

ClinVar aggregate classification (germline): Uncertain significance. Review status: criteria provided, multiple submitters, no conflicts (2 of 4 stars). 2 submissions from 2 submitters: Uncertain significance (2). Last evaluated 2025-02-15.

Conditions:
Hereditary cancer-predisposing syndrome. Also called: Hereditary Cancer Syndrome; Hereditary neoplastic syndrome; Neoplastic Syndromes, Hereditary; Tumor predisposition. Identifiers: Orphanet 140162, MedGen C0027672, MeSH D009386, MONDO:0015356.
Bloom syndrome (BLM). Also called: Bloom-Torre-Machacek syndrome. Identifiers: Orphanet 125, MedGen C0005859, MONDO:0008876, OMIM 210900.

Allele frequency attached by ClinVar (database versions not stated): TOPMed below 0.00001.

Submissions (2):

Ambry Genetics
Classification: Uncertain significance for Hereditary cancer-predisposing syndrome. Last evaluated: 2025-02-15. Review status: criteria provided, single submitter. Criteria: Ambry Variant Classification Scheme 2023. Collection method: clinical testing. Allele origin: germline.
Comment: The p.C318Y variant (also known as c.953G>A), located in coding exon 3 of the BLM gene, results from a G to A substitution at nucleotide position 953. The cysteine at codon 318 is replaced by tyrosine, an amino acid with highly dissimilar properties. This amino acid position is well conserved in available vertebrate species. In addition, this alteration is predicted to be tolerated by in silico analysis. Since supporting evidence is limited at this time, the clinical significance of this alteration remains unclear.

Labcorp Genetics (formerly Invitae), Labcorp
Classification: Uncertain significance for Bloom syndrome. Last evaluated: 2023-04-12. Review status: criteria provided, single submitter. Criteria: Invitae Variant Classification Sherloc (09022015). Collection method: clinical testing. Allele origin: germline.
Comment: ClinVar contains an entry for this variant (Variation ID: 1767312). This sequence change replaces cysteine, which is neutral and slightly polar, with tyrosine, which is neutral and polar, at codon 318 of the BLM protein (p.Cys318Tyr). This variant is not present in population databases (gnomAD no frequency). This variant has not been reported in the literature in individuals affected with BLM-related conditions. Advanced modeling of protein sequence and biophysical properties (such as structural, functional, and spatial information, amino acid conservation, physicochemical variation, residue mobility, and thermodynamic stability) performed at Invitae indicates that this missense variant is not expected to disrupt BLM protein function. In summary, the available evidence is currently insufficient to determine the role of this variant in disease. Therefore, it has been classified as a Variant of Uncertain Significance.